The following is an entry in ClinVar:

ClinVar aggregate classification (germline): Likely benign. Review status: reviewed by expert panel (3 of 4 stars). 3 submissions from 3 submitters: Likely benign (1). 2 of the submissions do not count toward it. Last evaluated 2024-06-24.

Conditions:
Hereditary thrombocytopenia and hematological cancer predisposition syndrome associated with RUNX1. Also called: Familial Platelet Disorder with Propensity to Acute Myelogenous Leukemia; Familial thrombocytopenia with propensity to acute myelogenous leukemia; PLATELET DISORDER, ASPIRIN-LIKE; RUNX1 Familial Platelet Disorder with Associated Myeloid Malignancies. Identifiers: Orphanet 71290, MedGen C1832388, MeSH C563324, MONDO:0100083, OMIM 601399.
Hereditary thrombocytopenia and hematologic cancer predisposition syndrome. Identifiers: Orphanet 71290, MedGen CN281654, MONDO:0011071.
Inborn genetic diseases. Identifiers: MedGen C0950123, MeSH D030342.

gnomAD v4.1: 1 of 1,539,882 alleles (0.000065%); highest among the groups gnomAD compares: Non-Finnish European, 0.000087%; no homozygotes.

Submissions (3):

ClinGen Myeloid Malignancy Variant Curation Expert Panel
Classification: Likely benign for Hereditary thrombocytopenia and hematologic cancer predisposition syndrome. Last evaluated: 2024-06-24. Review status: reviewed by expert panel. Criteria: ClinGen MyeloMalig ACMG Specifications v2. Collection method: curation. Allele origin: germline. Inheritance: Autosomal dominant inheritance.
Comment: NM_001754.5(RUNX1):c.1338C>G (p.Leu446=) is a synonymous variant that is not predicted to impact splicing. Since it is a synonymous variant, no REVEL score is applicable, and SpliceAI is ≤ 0.20 (0.00) (BP4). Evolutionary conservation prediction algorithms predict the site as not being conserved (PhyloP score -0.004 < 2.0 or the variant is the reference nucleotide in one primate and/or three mammal species) (BP7). This variant is completely absent from all population databases with at least 20x coverage for RUNX1 (PM2_supporting). In summary, this variant meets criteria to be classified as likely benign. ACMG/AMP criteria applied, as specified by the Myeloid Malignancy Variant Curation Expert Panel for RUNX1: BP4, BP7, PM2_supporting.

Ambry Genetics
Classification: Likely benign for Inborn genetic diseases. Last evaluated: 2025-03-28. Review status: criteria provided, single submitter. Criteria: Ambry Variant Classification Scheme 2023. Collection method: clinical testing. Allele origin: germline. Not counted in ClinVar's aggregate classification.

Labcorp Genetics (formerly Invitae), Labcorp
Classification: Likely benign for Hereditary thrombocytopenia and hematological cancer predisposition syndrome associated with RUNX1. Last evaluated: 2022-06-25. Review status: criteria provided, single submitter. Criteria: Invitae Variant Classification Sherloc (09022015). Collection method: clinical testing. Allele origin: germline. Not counted in ClinVar's aggregate classification.

NM_001754.5(RUNX1):c.1338C>G (p.Leu446=)

Gene: RUNX1 (RUNX family transcription factor 1; minus strand). Cytogenetic location: 21q22.12.
Variant type: single nucleotide variant.
Coding change: c.1338C>G on transcript NM_001754.5 (MANE Select); coding-DNA position 1338, C replaced by G.
Protein change: p.Leu446=; no amino-acid change (leucine 446 retained).
Molecular consequence: synonymous variant.
Genome position (GRCh38, 1-based): chr21:34,792,240, G>C on the plus strand (C>G on the coding strand, the complement: RUNX1 is on the minus strand). VCF-style: chr21-34792240-G-C. GRCh37 (hg19) VCF-style: chr21-36164537-G-C.
Other names: NM_001754.5(RUNX1):c.1338C>G; p.Leu446=; c.1338C>G (NM_001754.4); c.1257C>G, p.Leu419= (NM_001001890.3).
Identifiers: ClinVar variation 1153506 (VCV001153506.11), dbSNP rs769628054, ClinGen allele CA512341018.